The following is an entry in ClinVar:

NM_005422.4(TECTA):c.1738A>G (p.Ile580Val)

Genes: TBCEL-TECTA (TBCEL-TECTA readthrough; plus strand), TECTA (tectorin alpha; plus strand). Cytogenetic location: 11q23.3.
Variant type: single nucleotide variant.
Coding change: c.1738A>G on transcript NM_005422.4 (MANE Select); coding-DNA position 1738, A replaced by G.
Protein change: p.Ile580Val; replaces isoleucine 580 with valine.
Molecular consequence: missense variant.
Genome position (GRCh38, 1-based): chr11:121,125,836, A>G. VCF-style: chr11-121125836-A-G. GRCh37 (hg19) VCF-style: chr11-120996545-A-G.
Other names: c.2695A>G, p.Ile899Val (NM_001378761.1); short protein forms I580V, I899V.
Identifiers: ClinVar variation 2575792 (VCV002575792.3), dbSNP rs763059186, ClinGen allele CA6326814.

ClinVar aggregate classification (germline): Uncertain significance. Review status: criteria provided, multiple submitters, no conflicts (2 of 4 stars). 2 submissions from 2 submitters: Uncertain significance (2). Last evaluated 2026-09-17.

Conditions:
Inborn genetic diseases. Identifiers: MedGen C0950123, MeSH D030342.

Allele frequency attached by ClinVar (database versions not stated): gnomAD 0.00002; TOPMed 0.00002; gnomAD exomes 0.00004; ExAC 0.00005.
gnomAD v4.1: 56 of 1,612,800 alleles (0.0035%); highest among the groups gnomAD compares: Middle Eastern, 0.016%; no homozygotes.

Submissions (2):

GeneDx
Classification: Uncertain significance. Last evaluated: 2026-09-17. Review status: criteria provided, single submitter. Criteria: GeneDx Variant Classification Process June 2021. Collection method: clinical testing. Allele origin: germline.
Comment: In silico analysis suggests that this missense variant does not alter protein structure/function; Has not been previously published as pathogenic or benign to our knowledge; This variant is associated with the following publications: (PMID: 21520338, 9590290, 31554319)

Ambry Genetics
Classification: Uncertain significance for Inborn genetic diseases. Last evaluated: 2023-12-17. Review status: criteria provided, single submitter. Criteria: Ambry Variant Classification Scheme 2023. Collection method: clinical testing. Allele origin: germline.